The following is an entry in ClinVar:

NM_000219.6(KCNE1):c.311G>T (p.Arg104Met)

Gene: KCNE1 (potassium voltage-gated channel subfamily E regulatory subunit 1; minus strand). Cytogenetic location: 21q22.12.
Variant type: single nucleotide variant.
Coding change: c.311G>T on transcript NM_000219.6 (MANE Select); coding-DNA position 311, G replaced by T.
Protein change: p.Arg104Met; replaces arginine 104 with methionine.
Molecular consequence: missense variant.
Genome position (GRCh38, 1-based): chr21:34,449,324, C>A on the plus strand (G>T on the coding strand, the complement: KCNE1 is on the minus strand). VCF-style: chr21-34449324-C-A. GRCh37 (hg19) VCF-style: chr21-35821622-C-A.
Other names: c.311G>T, p.Arg104Met (NM_001127668.4, NM_001127669.4, NM_001127670.4 and 4 more transcripts); short protein forms R104M.
Identifiers: ClinVar variation 3374606 (VCV003374606.2).

Conditions:
Long QT syndrome 5 (LQT5). Identifiers: Orphanet 101016, Orphanet 768, MedGen C1867904, MONDO:0013372, OMIM 613695.

Submission:

Roden Lab, Vanderbilt University Medical Center
No classification provided (evidence only). Condition: Long QT syndrome 5. Review status: no classification provided. Collection method: in vitro. Allele origin: not applicable. Functional consequence: Effect on ion channel function.
ClinVar note: "not provided" was previously submitted as the classification for the variant. However, the classification appeared to be based only on an observation of functional data so it was converted to no classification on 2025-07-30.